The following is an entry in ClinVar:

NM_013432.5(TONSL):c.1462G>A (p.Val488Met)

Gene: TONSL (tonsoku like, DNA repair protein; minus strand). Cytogenetic location: 8q24.3.
Variant type: single nucleotide variant.
Coding change: c.1462G>A on transcript NM_013432.5 (MANE Select); coding-DNA position 1462, G replaced by A.
Protein change: p.Val488Met; replaces valine 488 with methionine.
Molecular consequence: missense variant.
Genome position (GRCh38, 1-based): chr8:144,440,039, C>T on the plus strand (G>A on the coding strand, the complement: TONSL is on the minus strand). VCF-style: chr8-144440039-C-T. GRCh37 (hg19) VCF-style: chr8-145665422-C-T.
Other names: short protein forms V488M.
Identifiers: ClinVar variation 716094 (VCV000716094.13), dbSNP rs2229314, ClinGen allele CA4943225.

ClinVar aggregate classification (germline): Benign. Review status: criteria provided, multiple submitters, no conflicts (2 of 4 stars). 3 submissions from 3 submitters: Benign (2). 1 of the submissions does not count toward it. Last evaluated 2026-02-02.

Conditions:
TONSL-related disorder. Also called: TONSL-related condition.

Allele frequency attached by ClinVar (database versions not stated): gnomAD exomes 0.00180 and 0.00489; ExAC 0.00629; gnomAD 0.01923 and 0.02064; 1000 Genomes Project 0.02097; 1000 Genomes Project 30x 0.02171; TOPMed 0.02177; ESP Exome Variant Server 0.02241.
gnomAD v4.1: 5,263 of 1,404,268 alleles (0.37%); highest among the groups gnomAD compares: African/African-American, 6.6%; 186 homozygotes.

Submissions (3):

Labcorp Genetics (formerly Invitae), Labcorp
Classification: Benign. Last evaluated: 2026-02-02. Review status: criteria provided, single submitter. Criteria: Invitae Variant Classification Sherloc (09022015). Collection method: clinical testing. Allele origin: germline.

Breakthrough Genomics
Classification: Benign. Review status: criteria provided, single submitter. Criteria: ACMG Guidelines, 2015. Collection method: not provided. Allele origin: germline. Inheritance: Autosomal recessive inheritance. Affected: yes.

PreventionGenetics, part of Exact Sciences
Classification: Benign for TONSL-related condition. Last evaluated: 2020-02-17. Review status: no assertion criteria provided. Collection method: clinical testing. Allele origin: germline. Not counted in ClinVar's aggregate classification.
Comment: This variant is classified as benign based on ACMG/AMP sequence variant interpretation guidelines (Richards et al. 2015 PMID: 25741868, with internal and published modifications).